The following is an entry in ClinVar:

ClinVar aggregate classification (germline): Likely pathogenic (1 of 4 stars; one submission).

Submission:

Labcorp Genetics (formerly Invitae), Labcorp
Classification: Likely pathogenic. Last evaluated: 2023-08-05. Review status: criteria provided, single submitter. Criteria: Invitae Variant Classification Sherloc (09022015). Collection method: clinical testing. Allele origin: germline.
Comment: This sequence change affects a donor splice site in intron 7 of the CDH23 gene. It is expected to disrupt RNA splicing. Variants that disrupt the donor or acceptor splice site typically lead to a loss of protein function (PMID: 16199547), and loss-of-function variants in CDH23 are known to be pathogenic (PMID: 11138009, 21940737). This variant is not present in population databases (gnomAD no frequency). This variant has not been reported in the literature in individuals affected with CDH23-related conditions. Algorithms developed to predict the effect of sequence changes on RNA splicing suggest that this variant may disrupt the consensus splice site. In summary, the currently available evidence indicates that the variant is pathogenic, but additional data are needed to prove that conclusively. Therefore, this variant has been classified as Likely Pathogenic.

Literature cited by the submitters: PubMed 16199547; PubMed 11138009; PubMed 21940737.

NM_022124.6(CDH23):c.624+2T>C

Gene: CDH23 (cadherin related 23; plus strand). Cytogenetic location: 10q22.1.
Variant type: single nucleotide variant.
Coding change: c.624+2T>C on transcript NM_022124.6 (MANE Select); the canonical splice donor site of the intron after coding-DNA position 624, T replaced by C.
Molecular consequence: splice donor variant.
Genome position (GRCh38, 1-based): chr10:71,566,938, T>C. VCF-style: chr10-71566938-T-C. GRCh37 (hg19) VCF-style: chr10-73326695-T-C.
Other names: c.624+2T>C (NM_001171930.2, NM_001171931.2, NM_052836.4 and 1 more transcripts).
Identifiers: ClinVar variation 2750435 (VCV002750435.3), dbSNP rs2493464596, ClinGen allele CA377112356.
Genomic context (GRCh38, chr10:71,566,938, plus strand): 5'-TGATCCGGGAGCTGGACTACGAGACCACACAGGCCTACCAGCTCACGGTCAACGCCACAG[T>C]GAGTCTCCATGCTGGGGCCCCGGCCGTCCCAGCTGCCTCTTCCCACCCTGGAAGAGAGTG-3'